The following is an entry in ClinVar:

ClinVar aggregate classification (germline): Uncertain significance. Review status: criteria provided, multiple submitters, no conflicts (2 of 4 stars). 2 submissions from 2 submitters: Uncertain significance (2). Last evaluated 2026-06-17.

Conditions:
Inborn genetic diseases. Identifiers: MedGen C0950123, MeSH D030342.

Allele frequency attached by ClinVar (database versions not stated): gnomAD 0.00004; gnomAD exomes below 0.00001; ExAC 0.00001; TOPMed 0.00003; ESP Exome Variant Server 0.00017.
gnomAD v4.1: 7 of 1,613,298 alleles (0.00043%); highest among the groups gnomAD compares: African/African-American, 0.008%; no homozygotes.

Submissions (2):

Ambry Genetics
Classification: Uncertain significance for Inborn genetic diseases. Last evaluated: 2026-06-17. Review status: criteria provided, single submitter. Criteria: Ambry Variant Classification Scheme 2023. Collection method: clinical testing. Allele origin: germline.
Comment: The c.3092C>T (p.S1031F) alteration is located in exon 12 (coding exon 12) of the ASXL3 gene. This alteration results from a C to T substitution at nucleotide position 3092, causing the serine (S) at amino acid position 1031 to be replaced by a phenylalanine (F). Based on data from gnomAD, the T allele has an overall frequency of <0.001% (1/248222) total alleles studied. The highest observed frequency was 0.007% (1/15442) of African alleles. Based on insufficient or conflicting evidence, the clinical significance of this alteration remains unclear.

GeneDx
Classification: Uncertain significance. Last evaluated: 2022-08-15. Review status: criteria provided, single submitter. Criteria: GeneDx Variant Classification Process June 2021. Collection method: clinical testing. Allele origin: germline. Affected: yes.
Comment: In silico analysis supports that this missense variant does not alter protein structure/function; Has not been previously published as pathogenic or benign to our knowledge

NM_030632.3(ASXL3):c.3092C>T (p.Ser1031Phe)

Gene: ASXL3 (ASXL transcriptional regulator 3; plus strand). Cytogenetic location: 18q12.1.
Variant type: single nucleotide variant.
Coding change: c.3092C>T on transcript NM_030632.3 (MANE Select); coding-DNA position 3092, C replaced by T.
Protein change: p.Ser1031Phe; replaces serine 1031 with phenylalanine.
Molecular consequence: missense variant.
Genome position (GRCh38, 1-based): chr18:33,742,940, C>T. VCF-style: chr18-33742940-C-T. GRCh37 (hg19) VCF-style: chr18-31322904-C-T.
Other names: short protein forms S1031F.
Identifiers: ClinVar variation 2430390 (VCV002430390.2), dbSNP rs375247575, ClinGen allele CA8934021.